The following is an entry in ClinVar:

NM_005732.4(RAD50):c.827A>G (p.Asp276Gly)

Gene: RAD50 (RAD50 double strand break repair protein; plus strand). Cytogenetic location: 5q31.1.
Variant type: single nucleotide variant.
Coding change: c.827A>G on transcript NM_005732.4 (MANE Select); coding-DNA position 827, A replaced by G.
Protein change: p.Asp276Gly; replaces aspartic acid 276 with glycine.
Molecular consequence: missense variant.
Genome position (GRCh38, 1-based): chr5:132,587,632, A>G. VCF-style: chr5-132587632-A-G. GRCh37 (hg19) VCF-style: chr5-131923324-A-G.
Other names: short protein forms D276G.
Identifiers: ClinVar variation 527339 (VCV000527339.13), dbSNP rs1219033851, ClinGen allele CA360940266.

ClinVar aggregate classification (germline): Uncertain significance. Review status: criteria provided, multiple submitters, no conflicts (2 of 4 stars). 2 submissions from 2 submitters: Uncertain significance (2). Last evaluated 2023-04-27.

Conditions:
Hereditary cancer-predisposing syndrome. Also called: Neoplastic Syndromes, Hereditary; Tumor predisposition; Hereditary Cancer Syndrome; Hereditary neoplastic syndrome. Identifiers: Orphanet 140162, MedGen C0027672, MeSH D009386, MONDO:0015356.

gnomAD v4.1: 1 of 1,613,892 alleles (0.000062%); highest among the groups gnomAD compares: Non-Finnish European, 0.000085%; no homozygotes.

Submissions (2):

Labcorp Genetics (formerly Invitae), Labcorp
Classification: Uncertain significance for Hereditary cancer-predisposing syndrome. Last evaluated: 2023-04-27. Review status: criteria provided, single submitter. Criteria: Invitae Variant Classification Sherloc (09022015). Collection method: clinical testing. Allele origin: germline.
Comment: In summary, the available evidence is currently insufficient to determine the role of this variant in disease. Therefore, it has been classified as a Variant of Uncertain Significance. Advanced modeling of protein sequence and biophysical properties (such as structural, functional, and spatial information, amino acid conservation, physicochemical variation, residue mobility, and thermodynamic stability) performed at Invitae indicates that this missense variant is not expected to disrupt RAD50 protein function. ClinVar contains an entry for this variant (Variation ID: 527339). This variant has not been reported in the literature in individuals affected with RAD50-related conditions. This variant is not present in population databases (gnomAD no frequency). This sequence change replaces aspartic acid, which is acidic and polar, with glycine, which is neutral and non-polar, at codon 276 of the RAD50 protein (p.Asp276Gly).

Ambry Genetics
Classification: Uncertain significance for Hereditary cancer-predisposing syndrome. Last evaluated: 2021-08-19. Review status: criteria provided, single submitter. Criteria: Ambry Variant Classification Scheme 2023. Collection method: clinical testing. Allele origin: germline.
Comment: The p.D276G variant (also known as c.827A>G), located in coding exon 6 of the RAD50 gene, results from an A to G substitution at nucleotide position 827. The aspartic acid at codon 276 is replaced by glycine, an amino acid with similar properties. This amino acid position is poorly conserved in available vertebrate species. In addition, this alteration is predicted to be tolerated by in silico analysis. Since supporting evidence is limited at this time, the clinical significance of this alteration remains unclear.